The following is an entry in ClinVar:

ClinVar aggregate classification (germline): Uncertain significance. Review status: criteria provided, multiple submitters, no conflicts (2 of 4 stars). 5 submissions from 5 submitters: Uncertain significance (4). 1 of the submissions does not count toward it. Last evaluated 2025-08-24.

Conditions:
Hereditary cancer-predisposing syndrome. Also called: Tumor predisposition; Neoplastic Syndromes, Hereditary; Hereditary Cancer Syndrome; Hereditary neoplastic syndrome. Identifiers: Orphanet 140162, MedGen C0027672, MeSH D009386, MONDO:0015356.
Ataxia-telangiectasia syndrome (AT). Also called: Ataxia-telangiectasia; Cerebello-oculocutaneous telangiectasia; Immunodeficiency with ataxia telangiectasia; ATAXIA-TELANGIECTASIA, COMPLEMENTATION GROUP A; ATAXIA-TELANGIECTASIA, FRESNO VARIANT; Ataxia-telangiectasia, complementation group D. Identifiers: Orphanet 100, MedGen C0004135, MONDO:0008840, OMIM 208900.

Allele frequency attached by ClinVar (database versions not stated): gnomAD 0.00001.
gnomAD v4.1: 12 of 1,612,994 alleles (0.00074%); highest among the groups gnomAD compares: African/African-American, 0.0013%; no homozygotes.

Submissions (5):

Ambry Genetics
Classification: Uncertain significance for Hereditary cancer-predisposing syndrome. Last evaluated: 2025-08-24. Review status: criteria provided, single submitter. Criteria: Ambry Variant Classification Scheme 2023. Collection method: clinical testing. Allele origin: germline.

Labcorp Genetics (formerly Invitae), Labcorp
Classification: Uncertain significance for Ataxia-telangiectasia syndrome. Last evaluated: 2025-05-19. Review status: criteria provided, single submitter. Criteria: Invitae Variant Classification Sherloc (09022015). Collection method: clinical testing. Allele origin: germline.
Comment: This sequence change replaces lysine, which is basic and polar, with asparagine, which is neutral and polar, at codon 70 of the ATM protein (p.Lys70Asn). This variant is present in population databases (no rsID available, gnomAD 0.01%). This variant has not been reported in the literature in individuals affected with ATM-related conditions. ClinVar contains an entry for this variant (Variation ID: 418022). Invitae Evidence Modeling of protein sequence and biophysical properties (such as structural, functional, and spatial information, amino acid conservation, physicochemical variation, residue mobility, and thermodynamic stability) indicates that this missense variant is not expected to disrupt ATM protein function with a negative predictive value of 95%. In summary, the available evidence is currently insufficient to determine the role of this variant in disease. Therefore, it has been classified as a Variant of Uncertain Significance.

Color Diagnostics, LLC DBA Color Health
Classification: Uncertain significance for Hereditary cancer-predisposing syndrome. Last evaluated: 2025-04-01. Review status: criteria provided, single submitter. Criteria: ACMG Guidelines, 2015. Collection method: clinical testing. Allele origin: germline.
Comment: This missense variant replaces lysine with asparagine at codon 70 of the ATM protein. Computational prediction suggests that this variant may not impact protein structure and function. To our knowledge, functional studies have not been reported for this variant. This variant has not been reported in individuals affected with hereditary cancer in the literature. This variant has been identified in 1/31394 chromosomes in the general population by the Genome Aggregation Database (gnomAD). The available evidence is insufficient to determine the role of this variant in disease conclusively. Therefore, this variant is classified as a Variant of Uncertain Significance.

GeneDx
Classification: Uncertain significance. Last evaluated: 2014-11-06. Review status: criteria provided, single submitter. Criteria: GeneDx Variant Classification (06012015). Collection method: clinical testing. Allele origin: germline. Affected: yes.
Comment: This variant is denoted ATM c.210A>T at the cDNA level, p.Lys70Asn (K70N) at the protein level, and results in the change of a Lysine to an Asparagine (AAA>AAT). This variant has not, to our knowledge, been published in the literature as pathogenic or benign. ATM Lys70Asn was not observed in approximately 6,500 individuals of European and African American ancestry in the NHLBI Exome Sequencing Project, indicating it is not a common benign variant in these populations. Since Lysine and Asparagine differ in some properties, this is considered a semi-conservative amino acid substitution. ATM Lys70Asn occurs at a position that is highly conserved across species and is not located in a known functional domain. In silico analyses predict that this variant is probably damaging to protein structure and function. Based on currently available information, it is unclear whether ATM Lys70Asn is pathogenic or benign. We consider it to be a variant of uncertain significance.

Counsyl
Classification: Uncertain significance for Ataxia-telangiectasia syndrome. Last evaluated: 2018-05-23. Review status: no assertion criteria provided. Collection method: clinical testing. Allele origin: unknown. Not counted in ClinVar's aggregate classification.

NM_000051.4(ATM):c.210A>T (p.Lys70Asn)

Gene: ATM (ATM serine/threonine kinase; plus strand). Cytogenetic location: 11q22.3.
Variant type: single nucleotide variant.
Coding change: c.210A>T on transcript NM_000051.4 (MANE Select); coding-DNA position 210, A replaced by T.
Protein change: p.Lys70Asn; replaces lysine 70 with asparagine.
Molecular consequence: missense variant.
Genome position (GRCh38, 1-based): chr11:108,229,202, A>T. VCF-style: chr11-108229202-A-T. GRCh37 (hg19) VCF-style: chr11-108099929-A-T.
Other names: c.210A>T, p.Lys70Asn (NM_001351834.2, NM_001351835.2, NM_001351836.2); short protein forms K70N.
Identifiers: ClinVar variation 418022 (VCV000418022.16), dbSNP rs1064793030, ClinGen allele CA16619095.